The following is an entry in ClinVar:

NM_024675.4(PALB2):c.3114G>A (p.Trp1038Ter)

Gene: PALB2 (partner and localizer of BRCA2; minus strand). Cytogenetic location: 16p12.2.
Variant type: single nucleotide variant.
Coding change: c.3114G>A on transcript NM_024675.4 (MANE Select); coding-DNA position 3114, G replaced by A.
Protein change: p.Trp1038Ter; replaces tryptophan 1038 with a stop codon.
Molecular consequence: nonsense.
Genome position (GRCh38, 1-based): chr16:23,614,091, C>T on the plus strand (G>A on the coding strand, the complement: PALB2 is on the minus strand). VCF-style: chr16-23614091-C-T. GRCh37 (hg19) VCF-style: chr16-23625412-C-T.
Other names: short protein forms W1038*.
Identifiers: ClinVar variation 231919 (VCV000231919.18), dbSNP rs778345761, ClinGen allele CA10579930.

ClinVar aggregate classification (germline): Pathogenic. Review status: criteria provided, multiple submitters, no conflicts (2 of 4 stars). 4 submissions from 4 submitters: Pathogenic (3). 1 of the submissions does not count toward it. Last evaluated 2023-09-14.

Conditions:
Familial cancer of breast. Also called: BREAST CANCER, FAMILIAL; hereditary breast carcinoma; Hereditary breast cancer. Identifiers: Orphanet 227535, MedGen C0346153, MONDO:0016419, OMIM 114480. Disease mechanism: loss of function.
Hereditary cancer-predisposing syndrome. Also called: Neoplastic Syndromes, Hereditary; Tumor predisposition; Hereditary Cancer Syndrome; Hereditary neoplastic syndrome. Identifiers: Orphanet 140162, MedGen C0027672, MeSH D009386, MONDO:0015356.

Submissions (4):

Myriad Genetics, Inc.
Classification: Pathogenic for Familial cancer of breast. Last evaluated: 2023-09-14. Review status: criteria provided, single submitter. Criteria: Myriad Autosomal Dominant, Autosomal Recessive and X-Linked Classification Criteria (2023). Collection method: clinical testing. Allele origin: unknown.
Comment: This variant is considered pathogenic. This variant creates a termination codon and is predicted to result in premature protein truncation.

Ambry Genetics
Classification: Pathogenic for Hereditary cancer-predisposing syndrome. Last evaluated: 2022-04-12. Review status: criteria provided, single submitter. Criteria: Ambry Variant Classification Scheme 2023. Collection method: clinical testing. Allele origin: germline.
Comment: The p.W1038* pathogenic mutation (also known as c.3114G>A), located in coding exon 11 of the PALB2 gene, results from a G to A substitution at nucleotide position 3114. This changes the amino acid from a tryptophan to a stop codon within coding exon 11. This alteration is expected to result in loss of function by premature protein truncation or nonsense-mediated mRNA decay. As such, this alteration is interpreted as a disease-causing mutation.

Labcorp Genetics (formerly Invitae), Labcorp
Classification: Pathogenic for Familial cancer of breast. Last evaluated: 2020-06-16. Review status: criteria provided, single submitter. Criteria: Invitae Variant Classification Sherloc (09022015). Collection method: clinical testing. Allele origin: germline.
Comment: This variant has not been reported in the literature in individuals with PALB2-related conditions. ClinVar contains an entry for this variant (Variation ID: 231919). This variant is not present in population databases (ExAC no frequency). This sequence change creates a premature translational stop signal (p.Trp1038*) in the PALB2 gene. It is expected to result in an absent or disrupted protein product. Algorithms developed to predict the effect of sequence changes on RNA splicing suggest that this variant may disrupt the consensus splice site, but this prediction has not been confirmed by published transcriptional studies. For these reasons, this variant has been classified as Pathogenic. Loss-of-function variants in PALB2 are known to be pathogenic (PMID: 17200668, 24136930, 25099575). A different variant (c.3113G>A) giving rise to the same protein effect observed here (p.Trp1038*) has been determined to be pathogenic (PMID: 17200668, 21182766, 21285249, 23471749). This suggests that this variant is also likely to be causative of disease.

Leiden Open Variation Database
Classification: Likely pathogenic. Last evaluated: 2019-09-30. Review status: no assertion criteria provided. Collection method: curation. Allele origin: germline. Affected: yes. Not counted in ClinVar's aggregate classification.
Comment: Curators: Marc Tischkowitz, Arleen D. Auerbach. Submitter to LOVD: Andreas Laner.

Literature cited by the submitters: PubMed 17200668 (cited by Labcorp Genetics (formerly Invitae), Labcorp); PubMed 24136930 (cited by Labcorp Genetics (formerly Invitae), Labcorp); PubMed 25099575 (cited by Labcorp Genetics (formerly Invitae), Labcorp); PubMed 21182766 (cited by Labcorp Genetics (formerly Invitae), Labcorp); PubMed 21285249 (cited by Labcorp Genetics (formerly Invitae), Labcorp); PubMed 23471749 (cited by Labcorp Genetics (formerly Invitae), Labcorp).